The following is an entry in ClinVar:

NM_006767.4(LZTR1):c.2279G>A (p.Cys760Tyr)

Gene: LZTR1 (leucine zipper like post translational regulator 1; plus strand). Cytogenetic location: 22q11.21.
Variant type: single nucleotide variant.
Coding change: c.2279G>A on transcript NM_006767.4 (MANE Select); coding-DNA position 2279, G replaced by A.
Protein change: p.Cys760Tyr; replaces cysteine 760 with tyrosine.
Molecular consequence: missense variant.
Genome position (GRCh38, 1-based): chr22:20,996,755, G>A. VCF-style: chr22-20996755-G-A. GRCh37 (hg19) VCF-style: chr22-21351044-G-A.
Other names: short protein forms C760Y.
Identifiers: ClinVar variation 1505118 (VCV001505118.10), dbSNP rs1181002142, ClinGen allele CA410780847.

ClinVar aggregate classification (germline): Uncertain significance. Review status: criteria provided, multiple submitters, no conflicts (2 of 4 stars). 2 submissions from 2 submitters: Uncertain significance (2). Last evaluated 2022-08-11.

Conditions:
Cardiovascular phenotype. Identifiers: MedGen CN230736.
Hereditary cancer-predisposing syndrome. Also called: Hereditary neoplastic syndrome; Tumor predisposition; Neoplastic Syndromes, Hereditary; Hereditary Cancer Syndrome. Identifiers: Orphanet 140162, MedGen C0027672, MeSH D009386, MONDO:0015356.

Allele frequency attached by ClinVar (database versions not stated): gnomAD exomes below 0.00001 and 0.00001; TOPMed below 0.00001.
gnomAD v4.1: 3 of 1,613,568 alleles (0.00019%); highest among the groups gnomAD compares: East Asian, 0.0022%; no homozygotes.

Submissions (2):

Ambry Genetics
Classification: Uncertain significance for Cardiovascular phenotype; Hereditary cancer-predisposing syndrome. Last evaluated: 2022-08-11. Review status: criteria provided, single submitter. Criteria: Ambry Variant Classification Scheme 2023. Collection method: clinical testing. Allele origin: germline.
Comment: The p.C760Y variant (also known as c.2279G>A), located in coding exon 19 of the LZTR1 gene, results from a G to A substitution at nucleotide position 2279. The cysteine at codon 760 is replaced by tyrosine, an amino acid with highly dissimilar properties. This amino acid position is conserved. In addition, this alteration is predicted to be deleterious by in silico analysis. Since supporting evidence is limited at this time, the clinical significance of this alteration remains unclear.

Labcorp Genetics (formerly Invitae), Labcorp
Classification: Uncertain significance. Last evaluated: 2022-07-26. Review status: criteria provided, single submitter. Criteria: Invitae Variant Classification Sherloc (09022015). Collection method: clinical testing. Allele origin: germline.
Comment: This sequence change replaces cysteine, which is neutral and slightly polar, with tyrosine, which is neutral and polar, at codon 760 of the LZTR1 protein (p.Cys760Tyr). In summary, the available evidence is currently insufficient to determine the role of this variant in disease. Therefore, it has been classified as a Variant of Uncertain Significance. Algorithms developed to predict the effect of missense changes on protein structure and function (SIFT, PolyPhen-2, Align-GVGD) all suggest that this variant is likely to be disruptive. ClinVar contains an entry for this variant (Variation ID: 1505118). This variant has not been reported in the literature in individuals affected with LZTR1-related conditions. This variant is present in population databases (no rsID available, gnomAD 0.006%).